The following is an entry in ClinVar:

NM_006767.4(LZTR1):c.1260+3G>A

Gene: LZTR1 (leucine zipper like post translational regulator 1; plus strand). Cytogenetic location: 22q11.21.
Variant type: single nucleotide variant.
Coding change: c.1260+3G>A on transcript NM_006767.4 (MANE Select); 3 bases into the intron after coding-DNA position 1260, G replaced by A.
Molecular consequence: intron variant.
Genome position (GRCh38, 1-based): chr22:20,992,907, G>A. VCF-style: chr22-20992907-G-A. GRCh37 (hg19) VCF-style: chr22-21347196-G-A.
Identifiers: ClinVar variation 997933 (VCV000997933.5), dbSNP rs1408575907, ClinGen allele CA638549891.
Genomic context (GRCh38, chr22:20,992,907, plus strand): 5'-CATCTTCGGGGGCACGGTGGACAACAACATCCGCAGCGGGGAGATGTACAGGTTCCAGGT[G>A]TGGGGCCTGTGGGCCTGTAGAGCCGGCTGGGTGGACGGATCCCCCGTGATGAGAAACTGA-3'

ClinVar aggregate classification (germline): Conflicting classifications of pathogenicity. Review status: criteria provided, conflicting classifications (1 of 4 stars). 3 submissions from 3 submitters: Uncertain significance (2); Likely benign (1). Last evaluated 2026-09-11.

Conditions:
Cardiovascular phenotype. Identifiers: MedGen CN230736.
Hereditary cancer-predisposing syndrome. Also called: Tumor predisposition; Hereditary Cancer Syndrome; Hereditary neoplastic syndrome; Neoplastic Syndromes, Hereditary. Identifiers: Orphanet 140162, MedGen C0027672, MeSH D009386, MONDO:0015356.

Allele frequency attached by ClinVar (database versions not stated): gnomAD exomes below 0.00001; gnomAD 0.00001.
gnomAD v4.1: 4 of 1,571,258 alleles (0.00025%); highest among the groups gnomAD compares: African/African-American, 0.0041%; no homozygotes.

Submissions (3):

Ambry Genetics
Classification: Likely benign for Cardiovascular phenotype; Hereditary cancer-predisposing syndrome. Last evaluated: 2026-09-11. Review status: criteria provided, single submitter. Criteria: Ambry Variant Classification Scheme 2023. Collection method: clinical testing. Allele origin: germline.

Labcorp Genetics (formerly Invitae), Labcorp
Classification: Uncertain significance. Last evaluated: 2025-12-31. Review status: criteria provided, single submitter. Criteria: Invitae Variant Classification Sherloc (09022015). Collection method: clinical testing. Allele origin: germline.
Comment: This sequence change falls in intron 11 of the LZTR1 gene. It does not directly change the encoded amino acid sequence of the LZTR1 protein. It affects a nucleotide within the consensus splice site. The frequency data for this variant in the population databases is considered unreliable, as metrics indicate poor data quality at this position in the gnomAD database. This variant has not been reported in the literature in individuals affected with LZTR1-related conditions. ClinVar contains an entry for this variant (Variation ID: 997933). Variants that disrupt the consensus splice site are a relatively common cause of aberrant splicing (PMID: 17576681, 9536098). Algorithms developed to predict the effect of sequence changes on RNA splicing suggest that this variant is not likely to affect RNA splicing. In summary, the available evidence is currently insufficient to determine the role of this variant in disease. Therefore, it has been classified as a Variant of Uncertain Significance.

Women's Health and Genetics/Laboratory Corporation of America, LabCorp
Classification: Uncertain significance. Last evaluated: 2021-02-01. Review status: criteria provided, single submitter. Criteria: LabCorp Variant Classification Summary - May 2015. Collection method: clinical testing. Allele origin: germline.
Comment: Variant summary: LZTR1 c.1260+3G>A alters a non-conserved nucleotide located close to a canonical splice site and therefore could affect mRNA splicing, leading to a significantly altered protein sequence. 4/4 computational tools predict no significant impact on normal splicing. However, these predictions have yet to be confirmed by functional studies. The variant allele was found at a frequency of 4.7e-06 in 211092 control chromosomes (gnomAD). The available data on variant occurrences in the general population are insufficient to allow any conclusion about variant significance. To our knowledge, no occurrence of c.1260+3G>A in individuals affected with Noonan Syndrome and no experimental evidence demonstrating its impact on protein function have been reported. No clinical diagnostic laboratories have submitted clinical-significance assessments for this variant to ClinVar after 2014. Based on the evidence outlined above, the variant was classified as uncertain significance.

Literature cited by the submitters: PubMed 17576681 (cited by Labcorp Genetics (formerly Invitae), Labcorp); PubMed 9536098 (cited by Labcorp Genetics (formerly Invitae), Labcorp).